The following is an entry in ClinVar:

NM_000921.5(PDE3A):c.1207G>A (p.Glu403Lys)

Gene: PDE3A (phosphodiesterase 3A; plus strand). Cytogenetic location: 12p12.2.
Variant type: single nucleotide variant.
Coding change: c.1207G>A on transcript NM_000921.5 (MANE Select); coding-DNA position 1207, G replaced by A.
Protein change: p.Glu403Lys; replaces glutamic acid 403 with lysine.
Molecular consequence: missense variant.
Genome position (GRCh38, 1-based): chr12:20,613,638, G>A. VCF-style: chr12-20613638-G-A. GRCh37 (hg19) VCF-style: chr12-20766572-G-A.
Other names: c.241G>A, p.Glu81Lys (NM_001244683.2, NM_001378409.1); c.1207G>A, p.Glu403Lys (NM_001378407.1); c.244G>A, p.Glu82Lys (NM_001378408.1); short protein forms E81K, E82K, E403K.
Identifiers: ClinVar variation 3635817 (VCV003635817.2).

ClinVar aggregate classification (germline): Uncertain significance (1 of 4 stars; one submission).

gnomAD v4.1: 115 of 1,613,688 alleles (0.0071%); highest among the groups gnomAD compares: Non-Finnish European, 0.0094%; no homozygotes.

Submission:

Labcorp Genetics (formerly Invitae), Labcorp
Classification: Uncertain significance. Last evaluated: 2024-03-19. Review status: criteria provided, single submitter. Criteria: Invitae Variant Classification Sherloc (09022015). Collection method: clinical testing. Allele origin: germline.
Comment: This sequence change replaces glutamic acid, which is acidic and polar, with lysine, which is basic and polar, at codon 403 of the PDE3A protein (p.Glu403Lys). The frequency data for this variant in the population databases is considered unreliable, as metrics indicate poor data quality at this position in the gnomAD database. This variant has not been reported in the literature in individuals affected with PDE3A-related conditions. An algorithm developed to predict the effect of missense changes on protein structure and function (PolyPhen-2) suggests that this variant is likely to be tolerated. In summary, the available evidence is currently insufficient to determine the role of this variant in disease. Therefore, it has been classified as a Variant of Uncertain Significance.